The following is an entry in ClinVar:

NM_001098511.3(KIF2A):c.869A>G (p.Tyr290Cys)

Gene: KIF2A (kinesin family member 2A; plus strand). Cytogenetic location: 5q12.1.
Variant type: single nucleotide variant.
Coding change: c.869A>G on transcript NM_001098511.3 (MANE Select); coding-DNA position 869, A replaced by G.
Protein change: p.Tyr290Cys; replaces tyrosine 290 with cysteine.
Molecular consequence: missense variant.
Genome position (GRCh38, 1-based): chr5:62,358,296, A>G. VCF-style: chr5-62358296-A-G. GRCh37 (hg19) VCF-style: chr5-61654123-A-G.
Other names: c.788A>G, p.Tyr263Cys (NM_001243952.2); c.812A>G, p.Tyr271Cys (NM_001243953.2); c.869A>G, p.Tyr290Cys (NM_004520.5); short protein forms Y271C, Y263C, Y290C.
Identifiers: ClinVar variation 3731120 (VCV003731120.1).
Genomic context (GRCh38, chr5:62,358,296, plus strand): 5'-AAAACCAAACATTTCGTTTTGATTATGCCTTTGATGACTCAGCTCCTAATGAAATGGTTT[A>G]CAGGTAGGTAAATTCATTTTAAATCAGAATTTTGTTCTTATGCCATGTGGTCATCAGCAC-3'
Protein context (NP_001091981.1, residues 280-300): FDDSAPNEMV[Tyr290Cys]RFTARPLVET

ClinVar aggregate classification (germline): Uncertain significance (1 of 4 stars; one submission).

Submission:

GeneDx
Classification: Uncertain significance. Last evaluated: 2024-08-14. Review status: criteria provided, single submitter. Criteria: GeneDx Variant Classification Process June 2021. Collection method: clinical testing. Allele origin: germline. Affected: yes.
Comment: Not observed at significant frequency in large population cohorts (gnomAD); In silico analysis supports that this missense variant has a deleterious effect on protein structure/function; Has not been previously published as pathogenic or benign to our knowledge